The following is an entry in ClinVar:

ClinVar aggregate classification (germline): Conflicting classifications of pathogenicity. Review status: criteria provided, conflicting classifications (1 of 4 stars). 12 submissions from 12 submitters: Pathogenic (2); Likely pathogenic (8); Uncertain significance (1). 1 of the submissions does not count toward it. Last evaluated 2026-08-01.
ClinVar aggregate classification (somatic clinical impact): Tier II - Potential (1 of 4 stars; one submission).
ClinVar aggregate classification (oncogenicity): Oncogenic (1 of 4 stars; one submission).

Conditions:
Autosomal dominant DNMT3A-related disorders.
DNMT3A-related disorder. Also called: DNMT3A-related disorders; DNMT3A-related condition.
Acute myeloid leukemia (AML). Also called: Acute myeloid leukemia, adult; AML adult; Acute non-lymphocytic leukemia; Acute granulocytic leukemia; Leukemia, acute myeloid, somatic; Leukemia, acute myelogenous, somatic. Identifiers: Orphanet 519, MedGen C0023467, MeSH D015470, MONDO:0018874, OMIM 601626, HP:0004808. Disease mechanism: Constitutively activated FLT3.
Heyn-Sproul-Jackson syndrome. Also called: MICROCEPHALY, SHORT STATURE, AND IMPAIRED INTELLECTUAL DEVELOPMENT. Identifiers: Orphanet 658595, MedGen C5231475, MONDO:0032882, OMIM 618724.
Tatton-Brown-Rahman overgrowth syndrome. Also called: Tatton-Brown-Rahman syndrome; Tall stature-intellectual disability-facial dysmorphism syndrome. Identifiers: Orphanet 404443, MedGen C4014545, MONDO:0014382, OMIM 615879.
Autism spectrum disorder. Also called: Autism spectrum disorders. Identifiers: MedGen C1510586, MeSH D000067877, MONDO:0005258.
Inborn genetic diseases. Identifiers: MedGen C0950123, MeSH D030342.
Pilocytic astrocytoma. Also called: Pilocytic astrocytoma, somatic. Identifiers: Orphanet 251612, MedGen C0334583, MONDO:0016691, HP:0033680.
Neoplasm. Also called: tumor; Neoplasms; Neoplasm (disease). Identifiers: MedGen C0027651, MeSH D009369, MONDO:0005070, HP:0002664.

Allele frequency attached by ClinVar (database versions not stated): 1000 Genomes Project below 0.00001; gnomAD exomes 0.00006; ESP Exome Variant Server 0.00008; ExAC 0.00010.
gnomAD v4.1: 64 of 1,551,930 alleles (0.0041%); highest among the groups gnomAD compares: African/African-American, 0.0068%; no homozygotes.

Submissions 1 to 8 of 14:

CeGaT Center for Human Genetics Tuebingen
Classification: Likely pathogenic. Last evaluated: 2026-08-01. Review status: criteria provided, single submitter. Criteria: CeGaT Center For Human Genetics Tuebingen Variant Classification Criteria Version 2. Collection method: clinical testing. Allele origin: germline. Affected: yes. Observed: 1 variant allele.
Comment: DNMT3A: PM1, PM5, PP3, PS3:Supporting

Labcorp Genetics (formerly Invitae), Labcorp
Classification: Likely pathogenic for Tatton-Brown-Rahman overgrowth syndrome. Last evaluated: 2026-01-15. Review status: criteria provided, single submitter. Criteria: Invitae Variant Classification Sherloc (09022015). Collection method: clinical testing. Allele origin: germline.
Comment: This sequence change replaces arginine, which is basic and polar, with tryptophan, which is neutral and slightly polar, at codon 635 of the DNMT3A protein (p.Arg635Trp). This variant is present in population databases (rs144689354, gnomAD 0.01%). This missense change has been observed in individual(s) with autism spectrum disorder and/or clinical features of Tatton-Brown-Rahman syndrome (PMID: 23849776, 27525107, 31981491; internal data). ClinVar contains an entry for this variant (Variation ID: 284904). Invitae Evidence Modeling of protein sequence and biophysical properties (such as structural, functional, and spatial information, amino acid conservation, physicochemical variation, residue mobility, and thermodynamic stability) indicates that this missense variant is expected to disrupt DNMT3A protein function with a positive predictive value of 95%. Experimental studies have shown that this missense change affects DNMT3A function (PMID: 31861499). This variant disrupts the p.Arg635 amino acid residue in DNMT3A. Other variant(s) that disrupt this residue have been determined to be pathogenic (PMID: 32435502; internal data). This suggests that this residue is clinically significant, and that variants that disrupt this residue are likely to be disease-causing. In summary, the currently available evidence indicates that the variant is pathogenic, but additional data are needed to prove that conclusively. Therefore, this variant has been classified as Likely Pathogenic.

GeneDx
Classification: Pathogenic. Last evaluated: 2025-09-16. Review status: criteria provided, single submitter. Criteria: GeneDx Variant Classification Process June 2021. Collection method: clinical testing. Allele origin: germline. Affected: yes.
Comment: Published functional studies suggest this variant significantly disrupts catalytic activity of DNMT3a (PMID: 31861499); Previously reported in two unrelated individuals who underwent whole genome sequencing to identify candidate genes in cohorts of patients with autism spectrum disorders; however limited clinical information is available on the probands, and in one proband a second de novo variant in another gene was also identified (PMID: 23849776, 27525107); In silico analysis supports that this missense variant has a deleterious effect on protein structure/function; This variant is associated with the following publications: (PMID: 22077061, 23370706, 26874914, 32269971, 31332282, 21904384, 23507483, 27525107, 28263302, 31981491, 32355762, 33219223, 33057194, 36368308, 35982159, 35982160, 23849776, 31861499)

Variantyx, Inc.
Classification: Likely pathogenic for Autosomal dominant DNMT3A-related disorders. Last evaluated: 2025-09-15. Review status: criteria provided, single submitter. Criteria: Variantyx Assertion Criteria 2022. Collection method: clinical testing. Allele origin: de novo. Inheritance: Autosomal dominant inheritance. Affected: yes.
Comment: This is a nonsynonymous variant in the DNMT3A gene (OMIM: 602769). Pathogenic variants in this gene have been associated with autosomal dominant DNMT3A-related disorders. Functional studies have shown that this variant alters DNMT3A protein function (PMID: 31861499) (PS3_Moderate) and multiple computational algorithms predict a deleterious effect for this variant (REVEL score: 0.844) (PP3). Moreover, an alternate amino acid change at this position (p.Arg635Gln) has been previously reported in at least one individual with clinical features of Tatton-Brown-Rahman syndrome (PMID: 32435502), which suggests that this residue may be biologically important. This variant has a 0.0068% maximum allele frequency in non-founder control populations, including multiple heterozygous individuals (gnomAD). Of note, some DNMT3A variants might be found in the general population databases due to age-related clonal hematopoiesis, limiting the utility of databases such as gnomAD in DNMT3A variant pathogenicity stratification (PMID: 25426837, 25426838). Based on the current evidence, this variant is classified as likely pathogenic for autosomal dominant DNMT3A-related disorders.

Genomic Medicine Center of Excellence, King Faisal Specialist Hospital and Research Centre
Classification: Uncertain significance for Tatton-Brown-Rahman overgrowth syndrome. Last evaluated: 2025-09-10. Review status: criteria provided, single submitter. Criteria: ACMG Guidelines, 2015. Collection method: clinical testing. Allele origin: germline.

Center for Genomic Medicine, Rigshospitalet, Copenhagen University Hospital
Classification: Oncogenic for Neoplasm. Last evaluated: 2025-03-04. Review status: criteria provided, single submitter. Criteria: ClinGen/CGC/VICC Guidelines for Oncogenicity, 2022. Collection method: clinical testing. Allele origin: somatic. Affected: yes.

Ambry Genetics
Classification: Pathogenic for Inborn genetic diseases. Last evaluated: 2025-01-23. Review status: criteria provided, single submitter. Criteria: Ambry Variant Classification Scheme 2023. Collection method: clinical testing. Allele origin: germline.
Comment: The c.1903C>T (p.R635W) alteration is located in exon 16 (coding exon 15) of the DNMT3A gene. This alteration results from a C to T substitution at nucleotide position 1903, causing the arginine (R) at amino acid position 635 to be replaced by a tryptophan (W). for Tatton-Brown-Rahman syndrome; however, its clinical significance for Heyn-Sproul-Jackson syndrome is uncertain. Based on data from gnomAD, the T allele has an overall frequency of 0.006% (10/157464) total alleles studied. The highest observed frequency was 0.023% (2/8878) of African alleles. Of note, somatic mosaicism in individuals in general population databases cannot be ruled out as this gene shows evidence of clonal hematopoiesis of indeterminate potential (CHIP). This variant was reported in individual(s) with features consistent with Tatton-Brown-Rahman syndrome; in at least one individual, it was determined to be de novo (DECIPHER; NCBI ClinVar). Another variant at the same codon, c.1904G>A (p.R635Q), has been identified in individual(s) with features consistent with Tatton-Brown-Rahman syndrome (Yokoi, 2020; Cecchi, 2022). Manual reference: National Center for Biotechnology Information. ClinVar; [VCV000284904.15], (accessed Jan. 23, 2025). This amino acid position is highly conserved in available vertebrate species. In an assay testing DNMT3A function, this variant showed functionally abnormal results (Khrabrova, 2019). This alteration is predicted to be deleterious by in silico analysis. Based on the available evidence, this alteration is classified as pathogenic.

Institute for Genomic Medicine (IGM) Clinical Laboratory, Nationwide Children's Hospital
Classification: Tier II - Potential for Pilocytic astrocytoma. Assertion type: diagnostic. Clinical significance: supports diagnosis. Last evaluated: 2024-04-22. Review status: criteria provided, single submitter. Criteria: AMP/ASCO/CAP Guidelines, 2017. Collection method: clinical testing. Allele origin: somatic. Affected: yes.
Comment: Variant has Tier II (potential) clinical significance as a diagnostic inclusion criterion in pilocytic astrocytoma, based on the following evidence: 1) Documented in one or more cancer databases (e.g., St. Jude Pecan, COSMIC, CIViC, OncoKB). 2) Information in the literature supports potential biologic effect of variant (PMIDs: 31861499, 34429321). 3) Assists in diagnosis alone or along with other biomarkers based on small studies or few case reports (Evidence Level D; PMIDs: 31371348, 34661724).

NM_022552.5(DNMT3A):c.1903C>T (p.Arg635Trp)

Gene: DNMT3A (DNA methyltransferase 3 alpha; minus strand). Cytogenetic location: 2p23.3.
Variant type: single nucleotide variant.
Coding change: c.1903C>T on transcript NM_022552.5 (MANE Select); coding-DNA position 1903, C replaced by T.
Protein change: p.Arg635Trp; replaces arginine 635 with tryptophan.
Molecular consequence: missense variant. On other transcripts: non-coding transcript variant (1).
Genome position (GRCh38, 1-based): chr2:25,243,931, G>A on the plus strand (C>T on the coding strand, the complement: DNMT3A is on the minus strand). VCF-style: chr2-25243931-G-A. GRCh37 (hg19) VCF-style: chr2-25466800-G-A.
Other names: c.1903C>T (NM_022552.4, NM_175629.1); c.1903C>T, p.Arg635Trp (NM_175629.2); c.1447C>T, p.Arg483Trp (NM_001320893.1); c.1234C>T, p.Arg412Trp (NM_001375819.1); c.1336C>T, p.Arg446Trp (NM_153759.3); short protein forms R635W, R446W, R483W, R412W.
Identifiers: ClinVar variation 284904 (VCV000284904.26), dbSNP rs144689354, ClinGen allele CA1555830.